The following is an entry in ClinVar:

NM_001853.4(COL9A3):c.817G>A (p.Glu273Lys)

Gene: COL9A3 (collagen type IX alpha 3 chain; plus strand). Cytogenetic location: 20q13.33.
Variant type: single nucleotide variant.
Coding change: c.817G>A on transcript NM_001853.4 (MANE Select); coding-DNA position 817, G replaced by A.
Protein change: p.Glu273Lys; replaces glutamic acid 273 with lysine.
Molecular consequence: missense variant.
Genome position (GRCh38, 1-based): chr20:62,827,265, G>A. VCF-style: chr20-62827265-G-A. GRCh37 (hg19) VCF-style: chr20-61458617-G-A.
Other names: c.817G>A (NM_001853.3); short protein forms E273K.
Identifiers: ClinVar variation 2174907 (VCV002174907.5), dbSNP rs959254431, ClinGen allele CA317331964.

ClinVar aggregate classification (germline): Uncertain significance. Review status: criteria provided, multiple submitters, no conflicts (2 of 4 stars). 2 submissions from 2 submitters: Uncertain significance (2). Last evaluated 2026-01-20.

Allele frequency attached by ClinVar (database versions not stated): gnomAD 0.00002; TOPMed 0.00002; gnomAD exomes 0.00003.
gnomAD v4.1: 43 of 1,613,182 alleles (0.0027%); highest among the groups gnomAD compares: Non-Finnish European, 0.0034%; no homozygotes.

Submissions (2):

Labcorp Genetics (formerly Invitae), Labcorp
Classification: Uncertain significance. Last evaluated: 2026-01-20. Review status: criteria provided, single submitter. Criteria: Invitae Variant Classification Sherloc (09022015). Collection method: clinical testing. Allele origin: germline.
Comment: This sequence change replaces glutamic acid, which is acidic and polar, with lysine, which is basic and polar, at codon 273 of the COL9A3 protein (p.Glu273Lys). This variant is present in population databases (no rsID available, gnomAD 0.003%). This variant has not been reported in the literature in individuals affected with COL9A3-related conditions. ClinVar contains an entry for this variant (Variation ID: 2174907). Invitae Evidence Modeling of protein sequence and biophysical properties (such as structural, functional, and spatial information, amino acid conservation, physicochemical variation, residue mobility, and thermodynamic stability) indicates that this missense variant is not expected to disrupt COL9A3 protein function with a negative predictive value of 95%. In summary, the available evidence is currently insufficient to determine the role of this variant in disease. Therefore, it has been classified as a Variant of Uncertain Significance.

GeneDx
Classification: Uncertain significance. Last evaluated: 2024-11-07. Review status: criteria provided, single submitter. Criteria: GeneDx Variant Classification Process June 2021. Collection method: clinical testing. Allele origin: germline. Affected: yes.
Comment: Not observed at significant frequency in large population cohorts (gnomAD); In silico analysis indicates that this missense variant does not alter protein structure/function; Has not been previously published as pathogenic or benign to our knowledge